The following is an entry in ClinVar:

NM_014908.4(DOLK):c.470A>C (p.His157Pro)

Gene: DOLK (dolichol kinase; minus strand). Cytogenetic location: 9q34.11.
Variant type: single nucleotide variant.
Coding change: c.470A>C on transcript NM_014908.4 (MANE Select); coding-DNA position 470, A replaced by C.
Protein change: p.His157Pro; replaces histidine 157 with proline.
Molecular consequence: missense variant.
Genome position (GRCh38, 1-based): chr9:128,946,834, T>G on the plus strand (A>C on the coding strand, the complement: DOLK is on the minus strand). VCF-style: chr9-128946834-T-G. GRCh37 (hg19) VCF-style: chr9-131709113-T-G.
Other names: c.470A>C (NM_014908.3); short protein forms H157P.
Identifiers: ClinVar variation 1390517 (VCV001390517.6), dbSNP rs145050630, ClinGen allele CA375125446.

ClinVar aggregate classification (germline): Uncertain significance. Review status: criteria provided, multiple submitters, no conflicts (2 of 4 stars). 2 submissions from 2 submitters: Uncertain significance (2). Last evaluated 2022-12-21.

Conditions:
Cardiovascular phenotype. Identifiers: MedGen CN230736.
DK1-congenital disorder of glycosylation. Also called: CONGENITAL DISORDER OF GLYCOSYLATION, TYPE Im; DK1-CDG; CDG Im; DK1 DEFICIENCY; DOLICHOL KINASE DEFICIENCY; DOLK-congenital disorder of glycosylation. Identifiers: Orphanet 91131, MedGen C1835849, MONDO:0012556, OMIM 610768.

Allele frequency attached by ClinVar (database versions not stated): gnomAD exomes below 0.00001.
gnomAD v4.1: 2 of 1,611,750 alleles (0.00012%); highest among the groups gnomAD compares: African/African-American, 0.0027%; no homozygotes.

Submissions (2):

Ambry Genetics
Classification: Uncertain significance for Cardiovascular phenotype. Last evaluated: 2022-12-21. Review status: criteria provided, single submitter. Criteria: Ambry Variant Classification Scheme 2023. Collection method: clinical testing. Allele origin: germline.

Labcorp Genetics (formerly Invitae), Labcorp
Classification: Uncertain significance for DK1-congenital disorder of glycosylation. Last evaluated: 2021-09-17. Review status: criteria provided, single submitter. Criteria: Invitae Variant Classification Sherloc (09022015). Collection method: clinical testing. Allele origin: germline.
Comment: This sequence change replaces histidine with proline at codon 157 of the DOLK protein (p.His157Pro). The histidine residue is moderately conserved and there is a moderate physicochemical difference between histidine and proline. This variant is not present in population databases (ExAC no frequency). This variant has not been reported in the literature in individuals affected with DOLK-related conditions. Algorithms developed to predict the effect of missense changes on protein structure and function (SIFT, PolyPhen-2, Align-GVGD) all suggest that this variant is likely to be tolerated. In summary, the available evidence is currently insufficient to determine the role of this variant in disease. Therefore, it has been classified as a Variant of Uncertain Significance.